The following is an entry in ClinVar:

NC_000006.11:g.(?_110106153)_(110146468_?)dup

Gene: FIG4 (FIG4 phosphoinositide 5-phosphatase; plus strand). Cytogenetic location: 6q21.
Variant type: Duplication.
Identifiers: ClinVar variation 2425991 (VCV002425991.3).

ClinVar aggregate classification (germline): Uncertain significance (1 of 4 stars; one submission).

Conditions:
Charcot-Marie-Tooth disease type 4. Also called: Charcot-Marie-Tooth disease, type IV; Charcot-Marie-Tooth, Type 4. Identifiers: Orphanet 64749, MedGen C4082197, MONDO:0018995.

Submission:

Labcorp Genetics (formerly Invitae), Labcorp
Classification: Uncertain significance for Charcot-Marie-Tooth disease type 4. Last evaluated: 2022-07-26. Review status: criteria provided, single submitter. Criteria: Invitae Variant Classification Sherloc (09022015). Collection method: clinical testing. Allele origin: germline.
Comment: This variant results in a copy number gain of the genomic region encompassing exon(s) 17-23 of the FIG4 gene. This region includes the termination codon of the gene. This copy number gain extends beyond the assayed region for this gene and therefore may encompass additional genes. As the precise location of this event is unknown, it may be in tandem or it may be located elsewhere in the genome. This variant has not been reported in the literature in individuals affected with FIG4-related conditions. In summary, the available evidence is currently insufficient to determine the role of this variant in disease. Therefore, it has been classified as a Variant of Uncertain Significance.